The following is an entry in ClinVar:

NM_024741.3(ZNF408):c.1722C>T (p.Ser574=)

Gene: ZNF408 (zinc finger protein 408; plus strand). Cytogenetic location: 11p11.2.
Variant type: single nucleotide variant.
Coding change: c.1722C>T on transcript NM_024741.3 (MANE Select); coding-DNA position 1722, C replaced by T.
Protein change: p.Ser574=; no amino-acid change (serine 574 retained).
Molecular consequence: synonymous variant.
Genome position (GRCh38, 1-based): chr11:46,705,422, C>T. VCF-style: chr11-46705422-C-T. GRCh37 (hg19) VCF-style: chr11-46726972-C-T.
Other names: c.1722C>T (NM_024741.2); c.1698C>T, p.Ser566= (NM_001184751.2).
Identifiers: ClinVar variation 2987829 (VCV002987829.5), dbSNP rs756044637, ClinGen allele CA5966631.

ClinVar aggregate classification (germline): Likely benign. Review status: criteria provided, multiple submitters, no conflicts (2 of 4 stars). 3 submissions from 3 submitters: Likely benign (3). Last evaluated 2025-02-15.

Conditions:
ZNF408-related disorder. Also called: ZNF408-related condition.

Allele frequency attached by ClinVar (database versions not stated): gnomAD 0.00001; gnomAD exomes 0.00002; ExAC 0.00003; TOPMed 0.00003.
gnomAD v4.1: 28 of 1,607,972 alleles (0.0017%); highest among the groups gnomAD compares: African/African-American, 0.004%; no homozygotes.

Submissions (3):

Labcorp Genetics (formerly Invitae), Labcorp
Classification: Likely benign. Last evaluated: 2025-02-15. Review status: criteria provided, single submitter. Criteria: Invitae Variant Classification Sherloc (09022015). Collection method: clinical testing. Allele origin: germline.

PreventionGenetics, part of Exact Sciences
Classification: Likely benign for ZNF408-related condition. Last evaluated: 2024-11-15. Review status: criteria provided, single submitter. Criteria: ACMG Guidelines, 2015. Collection method: clinical testing. Allele origin: germline.
Comment: This variant is classified as likely benign based on ACMG/AMP sequence variant interpretation guidelines (Richards et al. 2015 PMID: 25741868, with internal and published modifications).

Blueprint Genetics
Classification: Likely benign. Last evaluated: 2021-12-11. Review status: criteria provided, single submitter. Criteria: ACMG Guidelines, 2015. Collection method: clinical testing. Allele origin: germline.